The following is an entry in ClinVar:

ClinVar aggregate classification (germline): Pathogenic (0 of 4 stars; one submission).

Conditions:
SLC12A2-related disorder. Also called: SLC12A2-related condition; SLC12A2-related disorders.

Allele frequency attached by ClinVar (database versions not stated): gnomAD exomes below 0.00001.
gnomAD v4.1: 1 of 1,604,124 alleles (0.000062%); highest among the groups gnomAD compares: Non-Finnish European, 0.000085%; no homozygotes.

Submission:

PreventionGenetics, part of Exact Sciences
Classification: Pathogenic for SLC12A2-related condition. Last evaluated: 2023-12-16. Review status: no assertion criteria provided. Collection method: clinical testing. Allele origin: germline.
Comment: The SLC12A2 c.1228C>T variant is predicted to result in premature protein termination (p.Arg410*). To our knowledge, this variant has not been reported in the literature or in a large population database, indicating this variant is rare. Loss-of-function variants in SLC12A2 have been been reported as a cause of autosomal dominant disease and as a cause of autosomal recessive disease with carrier parents being unaffected (McNeill et al. 2022. PubMed ID: 34797034). This variant is interpreted as pathogenic.

NM_001046.3(SLC12A2):c.1228C>T (p.Arg410Ter)

Gene: SLC12A2 (solute carrier family 12 member 2; plus strand). Cytogenetic location: 5q23.3.
Variant type: single nucleotide variant.
Coding change: c.1228C>T on transcript NM_001046.3 (MANE Select); coding-DNA position 1228, C replaced by T.
Protein change: p.Arg410Ter; replaces arginine 410 with a stop codon.
Molecular consequence: nonsense. On other transcripts: non-coding transcript variant (1).
Genome position (GRCh38, 1-based): chr5:128,134,204, C>T. VCF-style: chr5-128134204-C-T. GRCh37 (hg19) VCF-style: chr5-127469896-C-T.
Other names: c.1228C>T, p.Arg410Ter (NM_001256461.2); short protein forms R410*.
Identifiers: ClinVar variation 3033879 (VCV003033879.2), dbSNP rs2479356950, ClinGen allele CA360742206.
Genomic context (GRCh38, chr5:128,134,204, plus strand): 5'-ATTTATGATTCCTTTTTCTAGGAACATTCCATACTTATGATAGATGAAATCAATGATATC[C>T]GAATTATTGGAGCCATTACAGTCGTGATTCTTTTAGGTATCTCAGTAGCTGGAATGGAGT-3'